The following is an entry in ClinVar:

ClinVar aggregate classification (germline): Uncertain significance (1 of 4 stars; one submission).

gnomAD v4.1: 2 of 1,614,170 alleles (0.00012%); highest among the groups gnomAD compares: Non-Finnish European, 0.00017%; no homozygotes.

Submission:

GeneDx
Classification: Uncertain significance. Last evaluated: 2014-09-03. Review status: criteria provided, single submitter. Criteria: GeneDx Variant Classification (06012015). Collection method: clinical testing. Allele origin: germline. Affected: yes.
Comment: p.Leu538Ter (TTG>TAG): c.1613 T>A in exon 15 of the RAF1 gene (NM_002880.3) The L538X variant in the RAF1 gene has not been reported as a disease-causing mutation or as a benign polymorphism to our knowledge. The L538X variant was not observed in approximately 6,500 individuals of European and African American ancestry in the NHLBI Exome Sequencing Project, indicating it is not a common benign variant in these populations. Additionally, L538X is predicted to cause loss of normal protein function either by protein truncation or nonsense-mediated mRNA decay. However, other nonsense mutations in the RAF1 gene have not been reported. Therefore, based on the currently available information, it is unclear whether this variant is a pathogenic mutation or a rare benign variant. The variant is found in CARDIOMYOPATHY panel(s).

NM_002880.4(RAF1):c.1613T>A (p.Leu538Ter)

Gene: RAF1 (Raf-1 proto-oncogene, serine/threonine kinase; minus strand). Cytogenetic location: 3p25.2.
Variant type: single nucleotide variant.
Coding change: c.1613T>A on transcript NM_002880.4 (MANE Select); coding-DNA position 1613, T replaced by A.
Protein change: p.Leu538Ter; replaces leucine 538 with a stop codon.
Molecular consequence: nonsense. On other transcripts: non-coding transcript variant (3).
Genome position (GRCh38, 1-based): chr3:12,585,177, A>T on the plus strand (T>A on the coding strand, the complement: RAF1 is on the minus strand). VCF-style: chr3-12585177-A-T. GRCh37 (hg19) VCF-style: chr3-12626676-A-T.
Other names: p.L538*:TTG>TAG; c.1673T>A, p.Leu558Ter (NM_001354689.3); c.1613T>A, p.Leu538Ter (NM_001354690.3); c.1370T>A, p.Leu457Ter (NM_001354691.3, NM_001354692.3); c.1514T>A, p.Leu505Ter (NM_001354693.3); c.1430T>A, p.Leu477Ter (NM_001354694.3); c.1271T>A, p.Leu424Ter (NM_001354695.3); short protein forms L538*, L477*, L505*, L457*, L424*, L558*.
Identifiers: ClinVar variation 181518 (VCV000181518.2), dbSNP rs730881011, ClinGen allele CA297154.